The following is an entry in ClinVar:

ClinVar aggregate classification (germline): Likely benign. Review status: criteria provided, multiple submitters, no conflicts (2 of 4 stars). 2 submissions from 2 submitters: Likely benign (2). Last evaluated 2025-10-14.

Conditions:
Lysinuric protein intolerance (LPI). Identifiers: Orphanet 470, MedGen C0268647, MONDO:0009109, OMIM 222700.

Allele frequency attached by ClinVar (database versions not stated): gnomAD exomes below 0.00001 and 0.00001; gnomAD 0.00001; ExAC 0.00002; TOPMed 0.00002.
gnomAD v4.1: 3 of 1,614,082 alleles (0.00019%); highest among the groups gnomAD compares: Admixed American, 0.0033%; no homozygotes.

Submissions (2):

Labcorp Genetics (formerly Invitae), Labcorp
Classification: Likely benign for Lysinuric protein intolerance. Last evaluated: 2025-10-14. Review status: criteria provided, single submitter. Criteria: Invitae Variant Classification Sherloc (09022015). Collection method: clinical testing. Allele origin: germline.

GeneDx
Classification: Likely benign. Last evaluated: 2016-01-27. Review status: criteria provided, single submitter. Criteria: GeneDx Variant Classification (06012015). Collection method: clinical testing. Allele origin: germline. Affected: yes.
Comment: This variant is considered likely benign or benign based on one or more of the following criteria: it is a conservative change, it occurs at a poorly conserved position in the protein, it is predicted to be benign by multiple in silico algorithms, and/or has population frequency not consistent with disease.

NM_003982.4(SLC7A7):c.795C>T (p.Ile265=)

Gene: SLC7A7 (solute carrier family 7 member 7; minus strand). Cytogenetic location: 14q11.2.
Variant type: single nucleotide variant.
Coding change: c.795C>T on transcript NM_003982.4 (MANE Select); coding-DNA position 795, C replaced by T.
Protein change: p.Ile265=; no amino-acid change (isoleucine 265 retained).
Molecular consequence: synonymous variant.
Genome position (GRCh38, 1-based): chr14:22,776,294, G>A on the plus strand (C>T on the coding strand, the complement: SLC7A7 is on the minus strand). VCF-style: chr14-22776294-G-A. GRCh37 (hg19) VCF-style: chr14-23245503-G-A.
Other names: c.795C>T, p.Ile265= (NM_001126105.3, NM_001126106.4).
Identifiers: ClinVar variation 382466 (VCV000382466.11), dbSNP rs777140678, ClinGen allele CA7104582.